The following is an entry in ClinVar:

ClinVar aggregate classification (germline): Uncertain significance. Review status: criteria provided, multiple submitters, no conflicts (2 of 4 stars). 2 submissions from 2 submitters: Uncertain significance (2). Last evaluated 2025-02-11.

Conditions:
MYCBP2-related disorder. Also called: MYCBP2-related condition.
Inborn genetic diseases. Identifiers: MedGen C0950123, MeSH D030342.

Allele frequency attached by ClinVar (database versions not stated): TOPMed below 0.00001.
gnomAD v4.1: 2 of 1,613,156 alleles (0.00012%); highest among the groups gnomAD compares: Non-Finnish European, 0.00017%; no homozygotes.

Submissions (2):

PreventionGenetics, part of Exact Sciences
Classification: Uncertain significance for MYCBP2-related condition. Last evaluated: 2025-02-11. Review status: criteria provided, single submitter. Criteria: ACMG Guidelines, 2015. Collection method: clinical testing. Allele origin: germline.
Comment: The MYCBP2 c.9662G>A variant is predicted to result in the amino acid substitution p.Gly3221Asp. To our knowledge, this variant has not been reported in the literature. This variant is reported in 0.0029% of alleles in individuals of Latino descent in gnomAD. At this time, the clinical significance of this variant is uncertain due to the absence of conclusive functional and genetic evidence.

Ambry Genetics
Classification: Uncertain significance for Inborn genetic diseases. Last evaluated: 2022-11-08. Review status: criteria provided, single submitter. Criteria: Ambry Variant Classification Scheme 2023. Collection method: clinical testing. Allele origin: germline.

NM_015057.5(MYCBP2):c.9662G>A (p.Gly3221Asp)

Gene: MYCBP2 (MYC binding protein 2; minus strand). Cytogenetic location: 13q22.3.
Variant type: single nucleotide variant.
Coding change: c.9662G>A on transcript NM_015057.5 (MANE Select); coding-DNA position 9662, G replaced by A.
Protein change: p.Gly3221Asp; replaces glycine 3221 with aspartic acid.
Molecular consequence: missense variant.
Genome position (GRCh38, 1-based): chr13:77,097,492, C>T on the plus strand (G>A on the coding strand, the complement: MYCBP2 is on the minus strand). VCF-style: chr13-77097492-C-T. GRCh37 (hg19) VCF-style: chr13-77671627-C-T.
Other names: short protein forms G3221D.
Identifiers: ClinVar variation 2324271 (VCV002324271.3), dbSNP rs1383070614, ClinGen allele CA388388026.